The following is an entry in ClinVar:

ClinVar aggregate classification (germline): Uncertain significance (0 of 4 stars; one submission).

Conditions:
PLXNA2-related disorder. Also called: PLXNA2-related condition.

Submission:

PreventionGenetics, part of Exact Sciences
Classification: Uncertain significance for PLXNA2-related condition. Last evaluated: 2024-08-23. Review status: no assertion criteria provided. Collection method: clinical testing. Allele origin: germline.
Comment: The PLXNA2 c.844C>T variant is predicted to result in the amino acid substitution p.Arg282Trp. To our knowledge, this variant has not been reported in the literature or in a large population database, indicating this variant is rare. At this time, the clinical significance of this variant is uncertain due to the absence of conclusive functional and genetic evidence.

NM_025179.4(PLXNA2):c.844C>T (p.Arg282Trp)

Gene: PLXNA2 (plexin A2; minus strand). Cytogenetic location: 1q32.2.
Variant type: single nucleotide variant.
Coding change: c.844C>T on transcript NM_025179.4 (MANE Select); coding-DNA position 844, C replaced by T.
Protein change: p.Arg282Trp; replaces arginine 282 with tryptophan.
Molecular consequence: missense variant.
Genome position (GRCh38, 1-based): chr1:208,217,079, G>A on the plus strand (C>T on the coding strand, the complement: PLXNA2 is on the minus strand). VCF-style: chr1-208217079-G-A. GRCh37 (hg19) VCF-style: chr1-208390424-G-A.
Other names: short protein forms R282W.
Identifiers: ClinVar variation 3354754 (VCV003354754.1).